The following is an entry in ClinVar:

ClinVar aggregate classification (germline): Conflicting classifications of pathogenicity. Review status: criteria provided, conflicting classifications (1 of 4 stars). 9 submissions from 9 submitters: Uncertain significance (3); Likely benign (6). Last evaluated 2025-10-21.

Conditions:
SOS1-related disorder. Also called: SOS1-related condition.
Cardiovascular phenotype. Identifiers: MedGen CN230736.
RASopathy. Also called: rasopathies; Noonan spectrum disorder. Identifiers: Orphanet 536391, MedGen C5555857, MONDO:0021060.
Noonan syndrome 4 (NS4). Also called: SOS1-Related Noonan Syndrome; NOONAN SYNDROME WITH PIGMENTED VILLONODULAR SYNOVITIS. Identifiers: Orphanet 648, MedGen C1853120, MONDO:0012547, OMIM 610733.

Allele frequency attached by ClinVar (database versions not stated): gnomAD exomes 0.00002; ExAC 0.00003; TOPMed 0.00006; gnomAD 0.00010; ESP Exome Variant Server 0.00015.
gnomAD v4.1: 255 of 1,589,486 alleles (0.016%); highest among the groups gnomAD compares: Non-Finnish European, 0.021%; no homozygotes.

Submissions (9):

Labcorp Genetics (formerly Invitae), Labcorp
Classification: Likely benign for RASopathy. Last evaluated: 2025-10-21. Review status: criteria provided, single submitter. Criteria: Invitae Variant Classification Sherloc (09022015). Collection method: clinical testing. Allele origin: germline.

PreventionGenetics, part of Exact Sciences
Classification: Likely benign for SOS1-related condition. Last evaluated: 2025-07-28. Review status: criteria provided, single submitter. Criteria: ACMG Guidelines, 2015. Collection method: clinical testing. Allele origin: germline.
Comment: This variant is classified as likely benign based on ACMG/AMP sequence variant interpretation guidelines (Richards et al. 2015 PMID: 25741868, with internal and published modifications).

St. Jude Molecular Pathology, St. Jude Children's Research Hospital
Classification: Uncertain significance for Noonan syndrome 4. Last evaluated: 2025-01-26. Review status: criteria provided, single submitter. Criteria: St. Jude Assertion Criteria 2020. Collection method: clinical testing. Allele origin: germline.
Comment: The SOS1 c.3418T>A p.(Leu1140Ile) missense change has a maximum subpopulation frequency of 0.02% in gnomAD v2.1.1. The in silico tool REVEL predicts a benign effect on protein function, but to our knowledge this prediction has not been confirmed by functional studies. This variant has been reported in a cohort of individuals with clinical suspicion of Noonan syndrome (PMID: 21387466). In summary, the evidence currently available is insufficient to determine the clinical significance of this variant. It has therefore been classified as of uncertain significance.

Blueprint Genetics
Classification: Likely benign. Last evaluated: 2024-10-10. Review status: criteria provided, single submitter. Criteria: ACMG Guidelines, 2015. Collection method: clinical testing. Allele origin: germline.

Women's Health and Genetics/Laboratory Corporation of America, LabCorp
Classification: Likely benign. Last evaluated: 2024-07-02. Review status: criteria provided, single submitter. Criteria: LabCorp Variant Classification Summary - May 2015. Collection method: clinical testing. Allele origin: germline.
Comment: Variant summary: SOS1 c.3418T>A (p.Leu1140Ile) results in a conservative amino acid change located in the SH3-binding motifs (Lepri_2011) of the encoded protein sequence. Four of five in-silico tools predict a benign effect of the variant on protein function. The variant allele was found at a frequency of 0.00016 in 1589486 control chromosomes. The observed variant frequency is approximately 5.35 fold of the estimated maximal expected allele frequency for a pathogenic variant in SOS1 causing Noonan Syndrome And Related Conditions phenotype (3e-05). c.3418T>A has been reported in the literature in individuals affected with Noonan Syndrome and Related Conditions (Lepri_2011, Ceyhan-Birsoy_2018, Shapiro_2017). Some of these report(s) classify the variant as a VUS and overall, do not provide unequivocal conclusions about association of the variant with Noonan Syndrome And Related Conditions. To our knowledge, no experimental evidence demonstrating an impact on protein function has been reported. The following publications have been ascertained in the context of this evaluation (PMID: 29696744, 21387466, 28870985). ClinVar contains an entry for this variant (Variation ID: 40729). Based on the evidence outlined above, the variant was classified as likely benign.

Ambry Genetics
Classification: Likely benign for Cardiovascular phenotype. Last evaluated: 2023-12-04. Review status: criteria provided, single submitter. Criteria: Ambry Variant Classification Scheme 2023. Collection method: clinical testing. Allele origin: germline.

GeneDx
Classification: Likely benign. Last evaluated: 2019-06-06. Review status: criteria provided, single submitter. Criteria: GeneDx Variant Classification Process June 2021. Collection method: clinical testing. Allele origin: germline. Affected: yes.
Comment: This variant is associated with the following publications: (PMID: 21387466)

Laboratory for Molecular Medicine, Mass General Brigham Personalized Medicine
Classification: Uncertain significance. Last evaluated: 2018-03-06. Review status: criteria provided, single submitter. Criteria: LMM Criteria. Collection method: clinical testing. Allele origin: germline.
Comment: Disclaimer: This variant has not undergone full assessment. The following are preliminary notes: 7/121778 Europeans in gnomad-2:39214706 A / T, identified in 1 individual with possible Noonan syndrome, but classified as a VUS Lepri et al., 2011, benign by prediction tools

Phosphorus, Inc.
Classification: Uncertain significance for Noonan syndrome 4. Last evaluated: 2017-08-01. Review status: criteria provided, single submitter. Criteria: ACMG Guidelines, 2015. Collection method: clinical testing. Allele origin: germline. Observed: 1 variant allele.

Literature cited by the submitters: PubMed 21387466 (cited by 4 submitters); PubMed 29696744 (cited by Women's Health and Genetics/Laboratory Corporation of America, LabCorp); PubMed 28870985 (cited by Women's Health and Genetics/Laboratory Corporation of America, LabCorp and Ambry Genetics); PubMed 34136918 (cited by Ambry Genetics).

NM_005633.4(SOS1):c.3418T>A (p.Leu1140Ile)

Gene: SOS1 (SOS Ras/Rac guanine nucleotide exchange factor 1; minus strand). Cytogenetic location: 2p22.1.
Variant type: single nucleotide variant.
Coding change: c.3418T>A on transcript NM_005633.4 (MANE Select); coding-DNA position 3418, T replaced by A.
Protein change: p.Leu1140Ile; replaces leucine 1140 with isoleucine.
Molecular consequence: missense variant.
Genome position (GRCh38, 1-based): chr2:38,987,565, A>T on the plus strand (T>A on the coding strand, the complement: SOS1 is on the minus strand). VCF-style: chr2-38987565-A-T. GRCh37 (hg19) VCF-style: chr2-39214706-A-T.
Other names: c.3397T>A, p.Leu1133Ile (NM_001382394.1); c.3373T>A, p.Leu1125Ile (NM_001382395.1); short protein forms L1140I, L1125I, L1133I.
Identifiers: ClinVar variation 40729 (VCV000040729.20), dbSNP rs375550588, ClinGen allele CA1624178.
Genomic context (GRCh38, chr2:38,987,565, plus strand): 5'-CTGGTCGTCTTCGTGGAGGAACAGGAGGAGGGACAGGCACTTCATCAGTGCCTTTGGTTA[A>T]ACTTATAGATGATACAGAAGCAGATCCTGTGGGATGTTAAATTTTTAAGAAAAAGTCCAC-3'
Protein context (NP_005624.2, residues 1130-1150): PRSASVSSIS[Leu1140Ile]TKGTDEVPVP